The following is an entry in ClinVar:

ClinVar aggregate classification (germline): Conflicting classifications of pathogenicity. Review status: criteria provided, conflicting classifications (1 of 4 stars). 3 submissions from 3 submitters: Pathogenic (1); Likely pathogenic (1); Uncertain significance (1). Last evaluated 2022-08-31.

Conditions:
Charcot-Marie-Tooth disease type 2E (CMT2E). Also called: CHARCOT-MARIE-TOOTH DISEASE, AXONAL, TYPE 2E; CHARCOT-MARIE-TOOTH NEUROPATHY, TYPE 2E. Identifiers: Orphanet 99939, MedGen C1843225, MONDO:0011894, OMIM 607684.

Submissions (3):

Labcorp Genetics (formerly Invitae), Labcorp
Classification: Pathogenic for Charcot-Marie-Tooth disease type 2E. Last evaluated: 2022-08-31. Review status: criteria provided, single submitter. Criteria: Invitae Variant Classification Sherloc (09022015). Collection method: clinical testing. Allele origin: germline.
Comment: This sequence change creates a premature translational stop signal (p.Glu289*) in the NEFL gene. It is expected to result in an absent or disrupted protein product. Loss-of-function variants in NEFL are known to be pathogenic (PMID: 19158810, 20039262). For these reasons, this variant has been classified as Pathogenic. ClinVar contains an entry for this variant (Variation ID: 805087). This variant has not been reported in the literature in individuals affected with NEFL-related conditions. This variant is not present in population databases (gnomAD no frequency).

Blueprint Genetics
Classification: Uncertain significance. Last evaluated: 2019-06-25. Review status: criteria provided, single submitter. Criteria: ACMG Guidelines, 2015. Collection method: clinical testing. Allele origin: germline.

Athena Diagnostics
Classification: Likely pathogenic. Last evaluated: 2019-03-12. Review status: criteria provided, single submitter. Criteria: Athena Diagnostics Criteria. Collection method: clinical testing. Allele origin: germline.
Comment: The variant creates a premature nonsense codon, and is therefore predicted to result in the loss of a functional protein. Not found in the total gnomAD dataset, and the data is high quality (0/280514 chr).

Literature cited by the submitters: PubMed 19158810 (cited by Labcorp Genetics (formerly Invitae), Labcorp); PubMed 20039262 (cited by Labcorp Genetics (formerly Invitae), Labcorp).

NM_006158.5(NEFL):c.865G>T (p.Glu289Ter)

Gene: NEFL (neurofilament light chain; minus strand). Cytogenetic location: 8p21.2.
Variant type: single nucleotide variant.
Coding change: c.865G>T on transcript NM_006158.5 (MANE Select); coding-DNA position 865, G replaced by T.
Protein change: p.Glu289Ter; replaces glutamic acid 289 with a stop codon.
Molecular consequence: nonsense.
Genome position (GRCh38, 1-based): chr8:24,955,651, C>A on the plus strand (G>T on the coding strand, the complement: NEFL is on the minus strand). VCF-style: chr8-24955651-C-A. GRCh37 (hg19) VCF-style: chr8-24813165-C-A.
Other names: short protein forms E289*.
Identifiers: ClinVar variation 805087 (VCV000805087.7), dbSNP rs1586128143, ClinGen allele CA370621452.